The following is an entry in ClinVar:

NM_004369.4(COL6A3):c.1301T>A (p.Ile434Asn)

Gene: COL6A3 (collagen type VI alpha 3 chain; minus strand). Cytogenetic location: 2q37.3.
Variant type: single nucleotide variant.
Coding change: c.1301T>A on transcript NM_004369.4 (MANE Select); coding-DNA position 1301, T replaced by A.
Protein change: p.Ile434Asn; replaces isoleucine 434 with asparagine.
Molecular consequence: missense variant. On other transcripts: intron variant (2).
Genome position (GRCh38, 1-based): chr2:237,387,593, A>T on the plus strand (T>A on the coding strand, the complement: COL6A3 is on the minus strand). VCF-style: chr2-237387593-A-T. GRCh37 (hg19) VCF-style: chr2-238296236-A-T.
Other names: c.683T>A, p.Ile228Asn (NM_057165.5, NM_057167.4); c.92-6094T>A (NM_057166.5, NM_057164.5); short protein forms I228N, I434N.
Identifiers: ClinVar variation 3367237 (VCV003367237.1).

ClinVar aggregate classification (germline): Uncertain significance (1 of 4 stars; one submission).

Submission:

GeneDx
Classification: Uncertain significance. Last evaluated: 2023-12-23. Review status: criteria provided, single submitter. Criteria: GeneDx Variant Classification Process June 2021. Collection method: clinical testing. Allele origin: germline. Affected: yes.
Comment: Not observed at significant frequency in large population cohorts (gnomAD); In silico analysis supports that this missense variant does not alter protein structure/function; Has not been previously published as pathogenic or benign to our knowledge